The following is an entry in ClinVar:

ClinVar aggregate classification (germline): Uncertain significance. Review status: criteria provided, single submitter (1 of 4 stars). 2 submissions from 2 submitters: Uncertain significance (1). 1 of the submissions does not count toward it. Last evaluated 2022-08-31.

Conditions:
Aicardi Goutieres syndrome (AGS). Also called: Encephalopathy, familial infantile, with calcification of basal ganglia and chronic cerebrospinal fluid lymphocytosis. Identifiers: Orphanet 51, MedGen C0393591, MONDO:0018866.
Aicardi-Goutieres syndrome 5. Identifiers: Orphanet 51, MedGen C2749659, MONDO:0013059, OMIM 612952.

Allele frequency attached by ClinVar (database versions not stated): gnomAD below 0.00001 and 0.00001; TOPMed below 0.00001; gnomAD exomes 0.00003 and 0.00006; ExAC 0.00010.
gnomAD v4.1: 47 of 1,613,060 alleles (0.0029%); highest among the groups gnomAD compares: South Asian, 0.049%; no homozygotes.

Submissions (2):

Labcorp Genetics (formerly Invitae), Labcorp
Classification: Uncertain significance for Aicardi-Goutieres syndrome 5. Last evaluated: 2022-08-31. Review status: criteria provided, single submitter. Criteria: Invitae Variant Classification Sherloc (09022015). Collection method: clinical testing. Allele origin: germline.
Comment: This sequence change replaces isoleucine, which is neutral and non-polar, with valine, which is neutral and non-polar, at codon 122 of the SAMHD1 protein (p.Ile122Val). This variant is present in population databases (rs757367080, gnomAD 0.05%). This variant has not been reported in the literature in individuals affected with SAMHD1-related conditions. ClinVar contains an entry for this variant (Variation ID: 578909). Algorithms developed to predict the effect of missense changes on protein structure and function output the following: SIFT: "Tolerated"; PolyPhen-2: "Benign"; Align-GVGD: "Class C0". The valine amino acid residue is found in multiple mammalian species, which suggests that this missense change does not adversely affect protein function. In summary, the available evidence is currently insufficient to determine the role of this variant in disease. Therefore, it has been classified as a Variant of Uncertain Significance.

Natera, Inc.
Classification: Uncertain significance for Aicardi-Goutieres syndrome. Last evaluated: 2019-11-11. Review status: no assertion criteria provided. Collection method: clinical testing. Allele origin: germline. Not counted in ClinVar's aggregate classification.

NM_015474.4(SAMHD1):c.364A>G (p.Ile122Val)

Gene: SAMHD1 (SAM and HD domain containing deoxynucleoside triphosphate triphosphohydrolase 1; minus strand). Cytogenetic location: 20q11.23.
Variant type: single nucleotide variant.
Coding change: c.364A>G on transcript NM_015474.4 (MANE Select); coding-DNA position 364, A replaced by G.
Protein change: p.Ile122Val; replaces isoleucine 122 with valine.
Molecular consequence: missense variant.
Genome position (GRCh38, 1-based): chr20:36,935,174, T>C on the plus strand (A>G on the coding strand, the complement: SAMHD1 is on the minus strand). VCF-style: chr20-36935174-T-C. GRCh37 (hg19) VCF-style: chr20-35563577-T-C.
Other names: c.364A>G, p.Ile122Val (NM_001363729.2, NM_001363733.2); short protein forms I122V.
Identifiers: ClinVar variation 578909 (VCV000578909.5), dbSNP rs757367080, ClinGen allele CA9844748.
Genomic context (GRCh38, chr20:36,935,174, plus strand): 5'-GAAATTGAGGTGTATCAATGATTCGGACGAGGAGAGGGTGGAGCTCAATGTGGCCATGGA[T>C]AGGATCATTAATTACCTAGAAAATTATGTTTAATTAATACAAATAACGACATGTAAGTCC-3'
Protein context (NP_056289.2, residues 112-132): VDTMKVINDP[Ile122Val]HGHIELHPLL